The following is an entry in ClinVar:

NM_001034853.2(RPGR):c.39T>C (p.Ala13=)

Gene: RPGR (retinitis pigmentosa GTPase regulator; minus strand). Cytogenetic location: Xp11.4.
Variant type: single nucleotide variant.
Coding change: c.39T>C on transcript NM_001034853.2 (MANE Select); coding-DNA position 39, T replaced by C.
Protein change: p.Ala13=; no amino-acid change (alanine 13 retained).
Molecular consequence: synonymous variant. On other transcripts: non-coding transcript variant (6).
Genome position (GRCh38, 1-based): chrX:38,323,514, A>G on the plus strand (T>C on the coding strand, the complement: RPGR is on the minus strand). VCF-style: chrX-38323514-A-G. GRCh37 (hg19) VCF-style: chrX-38182767-A-G.
Other names: NM_001034853.2(RPGR):c.39T>C; p.Ala13=; c.39T>C, p.Ala13= (NM_000328.3, NM_001367245.1, NM_001367246.1 and 4 more transcripts); c.69T>C, p.Ala23= (NM_001367248.1).
Identifiers: ClinVar variation 1928964 (VCV001928964.6), dbSNP rs2519912830, ClinGen allele CA515652037.

ClinVar aggregate classification (germline): Likely benign. Review status: reviewed by expert panel (3 of 4 stars). 2 submissions from 2 submitters: Likely benign (1). 1 of the submissions does not count toward it. Last evaluated 2025-09-05.

Conditions:
RPGR-related retinopathy. Also called: RPGR retinopathy. Identifiers: MedGen CN305589, MONDO:0100437.
Primary ciliary dyskinesia. Also called: Ciliary dyskinesia. Identifiers: Orphanet 244, MedGen C0008780, MONDO:0016575, HP:0012265.

Submissions (2):

ClinGen X-linked Inherited Retinal Disease Variant Curation Expert Panel, ClinGen
Classification: Likely benign for RPGR-related retinopathy. Last evaluated: 2025-09-05. Review status: reviewed by expert panel. Criteria: ClinGen X LinkedIRD ACMG Specifications RPGR V1.0.0. Collection method: curation. Allele origin: germline. Inheritance: X-linked inheritance.
Comment: NM_001034853.2(RPGR):c.39T>C (p.Ala13=) is a synonymous variant at codon 13 within exon 2 of 15, with no predicted impact on splicing (BP7). The splicing impact predictor SpliceAI gives a delta score of 0.01 for donor gain, which is below the ClinGen X-linked IRD VCEP recommended threshold of <0.1 and does not strongly predict an impact on splicing (BP4). This variant is absent from gnomAD v4.1.0 (PM2_Supporting). In summary, this variant is classified as likely benign for RPGR-related retinopathy based on the ClinGen X-linked Inherited Retinal Disease Expert Panel Specifications to the ACMG/AMP Variant Interpretation Guidelines for RPGR Version 1.0.0; PM2_Supporting, BP4 and BP7.

Labcorp Genetics (formerly Invitae), Labcorp
Classification: Likely benign for Primary ciliary dyskinesia. Last evaluated: 2024-02-23. Review status: criteria provided, single submitter. Criteria: Invitae Variant Classification Sherloc (09022015). Collection method: clinical testing. Allele origin: germline. Not counted in ClinVar's aggregate classification.